The following continues an entry in ClinVar:

NM_000071.3(CBS):c.1330G>A (p.Asp444Asn)

Gene: CBS. ClinVar aggregate classification (germline): Pathogenic/Likely pathogenic. Pathogenic (11); Likely pathogenic (5).

Submissions 10 to 18 of 18:

GeneDx
Classification: Pathogenic. Last evaluated: 2022-10-10. Review status: criteria provided, single submitter. Criteria: GeneDx Variant Classification Process June 2021. Collection method: clinical testing. Allele origin: germline. Affected: yes.
Comment: Reported in association with classical homocystinuria in patients who harbor additional CBS variants (Maclean et al., 2002; Martinez-Gutierrez et al., 2011; Cozar et al., 2011); Belongs to the class of pathogenic variants in the CBS gene that demonstrate significant residual CBS activity by standard in vitro assays, but impair CBS enzyme function by disruption of proper regulation through SAM activation (Mendes et al., 2014a; Alcaide et al., 2015); Published functional studies demonstrate a damaging effect as this variant disrupts CBS protein interaction with S-adenosylmethionine (also called SAM or AdoMet), a cofactor needed for CBS allosteric activation and protein stability, thus causing reduced CBS protein levels and impairing its ability to be properly activated by physiological levels of SAM (Kluijtmans et al., 1996; Evande et al., 2002; Scott et al., 2004; Prudova et al., 2006; Mendes et al., 2014a; Mendes et al., 2014b; Alcaide et al., 2015); In silico analysis supports that this missense variant has a deleterious effect on protein structure/function; This variant is associated with the following publications: (PMID: 8755636, 25044645, 22069143, 18805305, 22267502, 20506325, 16245937, 14722619, 12269827, 16614071, 23974653, 14722927, 12552044, 14972327, 21520339, 16479318, 12007221, 20490928, 25331909, 32768567, 31589614, 33726816, 25218699, 21626167)

Fulgent Genetics
Classification: Likely pathogenic for Classic homocystinuria. Last evaluated: 2022-03-16. Review status: criteria provided, single submitter. Criteria: ACMG Guidelines, 2015. Collection method: clinical testing. Allele origin: unknown.

Myriad Genetics, Inc.
Classification: Likely pathogenic for Classic homocystinuria. Last evaluated: 2019-12-20. Review status: criteria provided, single submitter. Criteria: Myriad Women's Health Autosomal Recessive and X-Linked Classification Criteria (2019). Collection method: clinical testing. Allele origin: unknown.
Comment: NM_000071.2(CBS):c.1330G>A(D444N) is classified as likely pathogenic in the context of homocystinuria, CBS-related. Sources cited for classification include the following: PMID 22267502, 25331909, 20490928, 16245937, 12269827, 8755636, 12007221, 12552044, 14722927, 14972327, 16479318, 18805305 and 21520339. Classification of NM_000071.2(CBS):c.1330G>A(D444N) is based on the following criteria: This variant has been observed more frequently in patients with clinical diagnoses than in healthy populations. Please note: this variant was assessed in the context of healthy population screening.

SIB Swiss Institute of Bioinformatics
Classification: Likely pathogenic for Classic homocystinuria. Last evaluated: 2018-05-31. Review status: criteria provided, single submitter. Criteria: ACMG Guidelines, 2015. Collection method: curation. Allele origin: unknown.
Comment: This variant is interpreted as a Likely Pathogenic, for Cystathionine beta-synthase deficiency, in Autosomal Recessive manner. The following ACMG Tag(s) were applied: PS3 => Well-established functional studies show a deleterious effect (PMID:12269827,23974653,20506325,8755636). PM2 => Absent from controls (or at extremely low frequency if recessive; or below the expected carrier frequency if recessive disease or below disease prevalence if dominant disease) in Exome Sequencing Project, 1000 Genomes Project, or Exome Aggregation Consortium. PM3 => For recessive disorders, detected in trans with a pathogenic variant (PMID:23974653). PP1 => Cosegregation with disease in multiple affected family members in a gene definitively known to cause the disease (PMID:8755636,).

Women's Health and Genetics/Laboratory Corporation of America, LabCorp
Classification: Pathogenic for Homocystinuria. Last evaluated: 2017-10-30. Review status: criteria provided, single submitter. Criteria: LabCorp Variant Classification Summary - May 2015. Collection method: clinical testing. Allele origin: germline.
Comment: Variant summary: The CBS c.1330G>A (p.Asp444Asn) variant involves the alteration of a conserved nucleotide that lies within the CBS domain (InterPro). 3/4 in silico tools predict a benign outcome for this variant (SNPsandGO not captured due to low reliability index). This variant was found in 65/192534 control chromosomes at a frequency of 0.0003376, which does not exceed the estimated maximal expected allele frequency of a pathogenic CBS variant (0.0030414). The variant has been reported in numerous patients with CBS-related homocystinuria, including homozygous patients. Functional studies suggest that CBS expression and activity levels are similar to those found in heterozygous individuals, but binding with the necessary cofactor S-adenosylmethionine and the subsequent induction of CBS protein activity is impaired (Mendes_2013). In addition, multiple clinical diagnostic laboratories/reputable databases classified this variant as pathogenic. Taken together, this variant is classified as pathogenic.

Illumina Laboratory Services, Illumina
Classification: Pathogenic for Classic homocystinuria. Last evaluated: 2017-09-17. Review status: criteria provided, single submitter. Criteria: ICSL Variant Classification Criteria 09 May 2019. Collection method: clinical testing. Allele origin: germline.
Comment: Across a selection of the available literature, the CBS c.1330G>A (p.Asp444Asn) variant has been identified in at least nine individuals with homocystinuria including four in a homozygous state, three in a compound heterozygous state, and two siblings with the variant in a heterozygous state (Kluijtmans et al. 1996; Kelly et al. 2003; Urreizti et al. 2006; Lefaucheur et al. 2008; Cozar et al. 2011). The variant was also identified in a heterozygous state in the unaffected parents and sister of one of the homozygous individuals (Kluijtmans et al. 1996). The compound heterozygotes all carried a second missense variant on the second allele (Lefaucheur et al. 2008; Cozar et al. 2011). The p.Asp444Asn variant was absent from 80 controls but is reported at a frequency of 0.00134 in the Latino population of the Genome Aggregation Database. Functional studies were performed using cultured fibroblasts from a patient and showed that the p.Asp444Asn variant was not stimulated by physiological levels of S-Adenosylmethionine (AdoMet; a protein which stimulates CBS activity) compared to control fibroblasts, and required increased levels for stimulation (Kluijtmans et al. 1996; Evande et al. 2002). In addition, a study by Hnizda et al. (2012) evaluated protein folding and suggested that C-terminal regulatory domain variants, including the p.Asp444Asn variant, increased protein structural stability and decreased flexibility. Based on the collective evidence, the p.Asp444Asn variant is classified as pathogenic for homocystinuria. This variant was observed by ICSL as part of a predisposition screen in an ostensibly healthy population.

Eurofins Ntd Llc (ga)
Classification: Pathogenic. Last evaluated: 2013-06-20. Review status: criteria provided, single submitter. Criteria: EGL Classification Definitions. Collection method: clinical testing. Allele origin: germline. Observed: 1 variant allele, 1 heterozygote.

OMIM
Classification: Pathogenic for HOMOCYSTINURIA, PYRIDOXINE-RESPONSIVE. Last evaluated: 2004-01-01. Review status: no assertion criteria provided. Collection method: literature only. Allele origin: germline. Not counted in ClinVar's aggregate classification.

OMIM
Classification: Pathogenic for HYPERHOMOCYSTEINEMIA, THROMBOTIC, CBS-RELATED. Last evaluated: 2004-01-01. Review status: no assertion criteria provided. Collection method: literature only. Allele origin: germline. Not counted in ClinVar's aggregate classification.

Literature cited by the submitters: PubMed 8755636 (cited by 9 submitters); PubMed 14972327 (cited by 6 submitters); PubMed 16479318 (cited by 5 submitters); PubMed 21520339 (cited by 6 submitters); PubMed 14722619 (cited by 4 submitters); PubMed 20490928 (cited by Labcorp Genetics (formerly Invitae), Labcorp and Myriad Genetics, Inc.); PubMed 20506325 (cited by 5 submitters); PubMed 22069143 (cited by 4 submitters); PubMed 25044645 (cited by 4 submitters); PubMed 27243974 (cited by Natera, Inc.); PubMed 12007221 (cited by Natera, Inc. and Myriad Genetics, Inc.); PubMed 10364517 (cited by 3 submitters); PubMed 29326875 (cited by 3billion); PubMed 12269827 (cited by 5 submitters); PubMed 12552044 (cited by 5 submitters); PubMed 18805305 (cited by 3 submitters); PubMed 21626167 (cited by Mayo Clinic Laboratories, Mayo Clinic and Ambry Genetics); PubMed 22267502 (cited by 3 submitters); PubMed 23974653 (cited by 3 submitters); PubMed 25218699 (cited by Mayo Clinic Laboratories, Mayo Clinic and Ambry Genetics); PubMed 26750749 (cited by Mayo Clinic Laboratories, Mayo Clinic and Ambry Genetics); PubMed 31589614 (cited by Mayo Clinic Laboratories, Mayo Clinic); PubMed 33726816 (cited by Mayo Clinic Laboratories, Mayo Clinic); PubMed 38535124 (cited by Mayo Clinic Laboratories, Mayo Clinic); PubMed 14722927 (cited by Ambry Genetics and Myriad Genetics, Inc.); PubMed 25197074 (cited by Ambry Genetics); PubMed 27861796 (cited by Ambry Genetics); PubMed 30050925 (cited by Ambry Genetics); PubMed 32000841 (cited by Ambry Genetics); PubMed 32245022 (cited by Ambry Genetics); PubMed 25331909 (cited by Myriad Genetics, Inc.); PubMed 16245937 (cited by Myriad Genetics, Inc.).